The following is an entry in ClinVar:

NM_198253.3(TERT):c.76A>G (p.Thr26Ala)

Genes: TERT (telomerase reverse transcriptase; minus strand), LOC110806263 (TERT 5' regulatory region; plus strand). Cytogenetic location: 5p15.33.
Variant type: single nucleotide variant.
Coding change: c.76A>G on transcript NM_198253.3 (MANE Select); coding-DNA position 76, A replaced by G.
Protein change: p.Thr26Ala; replaces threonine 26 with alanine.
Molecular consequence: missense variant. On other transcripts: non-coding transcript variant (2).
Genome position (GRCh38, 1-based): chr5:1,294,914, T>C on the plus strand (A>G on the coding strand, the complement: TERT is on the minus strand). VCF-style: chr5-1294914-T-C. GRCh37 (hg19) VCF-style: chr5-1295029-T-C.
Other names: c.76A>G, p.Thr26Ala (NM_001193376.3); short protein forms T26A.
Identifiers: ClinVar variation 646173 (VCV000646173.14), dbSNP rs1579599309, ClinGen allele CA359059504.
Genomic context (GRCh38, chr5:1,294,914, plus strand): 5'-CCGCCGGGTCCCCGCGCTGCACCAGCCGCCAGCCCTGGGGCCCCAGGCGCCGCACGAACG[T>C]GGCCAGCGGCAGCACCTCGCGGTAGTGGCTGCGCAGCAGGGAGCGCACGGCTCGGCAGCG-3'
Protein context (NP_937983.2, residues 16-36): SHYREVLPLA[Thr26Ala]FVRRLGPQGW

ClinVar aggregate classification (germline): Conflicting classifications of pathogenicity. Review status: criteria provided, conflicting classifications (1 of 4 stars). 4 submissions from 4 submitters: Uncertain significance (3); Likely benign (1). Last evaluated 2025-12-13.

Conditions:
Dyskeratosis congenita. Identifiers: Orphanet 1775, MedGen C0265965, MONDO:0015780.
Dyskeratosis congenita, autosomal dominant 2. Identifiers: MedGen C3151443, MONDO:0013521, OMIM 613989.
Idiopathic Pulmonary Fibrosis. Also called: Idiopathic fibrosing alveolitis, chronic form; idiopathic fibrosing alveolitis. Identifiers: Orphanet 2032, MedGen C1800706, MeSH D054990, MONDO:0800504.

Allele frequency attached by ClinVar (database versions not stated): gnomAD exomes below 0.00001; gnomAD 0.00001; TOPMed 0.00001.
gnomAD v4.1: 6 of 1,429,646 alleles (0.00042%); highest among the groups gnomAD compares: African/African-American, 0.006%; no homozygotes.

Submissions (4):

Ambry Genetics
Classification: Likely benign for Dyskeratosis congenita. Last evaluated: 2025-12-13. Review status: criteria provided, single submitter. Criteria: Ambry Variant Classification Scheme 2023. Collection method: clinical testing. Allele origin: germline.

Labcorp Genetics (formerly Invitae), Labcorp
Classification: Uncertain significance for Dyskeratosis congenita, autosomal dominant 2; Idiopathic Pulmonary Fibrosis. Last evaluated: 2025-06-19. Review status: criteria provided, single submitter. Criteria: Invitae Variant Classification Sherloc (09022015). Collection method: clinical testing. Allele origin: germline.
Comment: This sequence change replaces threonine, which is neutral and polar, with alanine, which is neutral and non-polar, at codon 26 of the TERT protein (p.Thr26Ala). This variant is not present in population databases (gnomAD no frequency). This variant has not been reported in the literature in individuals affected with TERT-related conditions. ClinVar contains an entry for this variant (Variation ID: 646173). Invitae Evidence Modeling of protein sequence and biophysical properties (such as structural, functional, and spatial information, amino acid conservation, physicochemical variation, residue mobility, and thermodynamic stability) indicates that this missense variant is not expected to disrupt TERT protein function with a negative predictive value of 95%. In summary, the available evidence is currently insufficient to determine the role of this variant in disease. Therefore, it has been classified as a Variant of Uncertain Significance.

Revvity Omics, Revvity
Classification: Uncertain significance. Last evaluated: 2024-05-07. Review status: criteria provided, single submitter. Criteria: ACMG Guidelines, 2015. Collection method: clinical testing. Allele origin: germline.

GeneDx
Classification: Uncertain significance. Last evaluated: 2023-01-23. Review status: criteria provided, single submitter. Criteria: GeneDx Variant Classification Process June 2021. Collection method: clinical testing. Allele origin: germline. Affected: yes.
Comment: Not observed at significant frequency in large population cohorts (gnomAD); In silico analysis supports that this missense variant does not alter protein structure/function; Has not been previously published as pathogenic or benign to our knowledge